The following is an entry in ClinVar:

ClinVar aggregate classification (germline): Likely benign. Review status: criteria provided, multiple submitters, no conflicts (2 of 4 stars). 5 submissions from 5 submitters: Likely benign (4). 1 of the submissions does not count toward it. Last evaluated 2025-12-01.

Conditions:
NALCN-related disorder. Also called: NALCN-related disorders; NALCN-related condition.
Inborn genetic diseases. Identifiers: MedGen C0950123, MeSH D030342.

Allele frequency attached by ClinVar (database versions not stated): 1000 Genomes Project 30x 0.00016; 1000 Genomes Project 0.00020; ExAC 0.00070; gnomAD exomes 0.00079 and 0.00122; TOPMed 0.00086; ESP Exome Variant Server 0.00108; gnomAD 0.00075 and 0.00078.
gnomAD v4.1: 1,910 of 1,598,582 alleles (0.12%); highest among the groups gnomAD compares: Non-Finnish European, 0.14%; 3 homozygotes.

Submissions (5):

Labcorp Genetics (formerly Invitae), Labcorp
Classification: Likely benign. Last evaluated: 2025-12-01. Review status: criteria provided, single submitter. Criteria: Invitae Variant Classification Sherloc (09022015). Collection method: clinical testing. Allele origin: germline.

CeGaT Center for Human Genetics Tuebingen
Classification: Likely benign. Last evaluated: 2025-01-01. Review status: criteria provided, single submitter. Criteria: CeGaT Center For Human Genetics Tuebingen Variant Classification Criteria Version 2. Collection method: clinical testing. Allele origin: germline. Affected: yes. Observed: 3 variant alleles.
Comment: NALCN: BP4

Ambry Genetics
Classification: Likely benign for Inborn genetic diseases. Last evaluated: 2021-09-21. Review status: criteria provided, single submitter. Criteria: Ambry Variant Classification Scheme 2023. Collection method: clinical testing. Allele origin: germline.

GeneDx
Classification: Likely benign. Last evaluated: 2021-03-04. Review status: criteria provided, single submitter. Criteria: GeneDx Variant Classification Process June 2021. Collection method: clinical testing. Allele origin: germline. Affected: yes.

PreventionGenetics, part of Exact Sciences
Classification: Likely benign for NALCN-related condition. Last evaluated: 2019-03-14. Review status: no assertion criteria provided. Collection method: clinical testing. Allele origin: germline. Not counted in ClinVar's aggregate classification.
Comment: This variant is classified as likely benign based on ACMG/AMP sequence variant interpretation guidelines (Richards et al. 2015 PMID: 25741868, with internal and published modifications).

NM_052867.4(NALCN):c.4103+4G>C

Gene: NALCN (sodium leak channel, non-selective; minus strand). Cytogenetic location: 13q32.3.
Variant type: single nucleotide variant.
Coding change: c.4103+4G>C on transcript NM_052867.4 (MANE Select); 4 bases into the intron after coding-DNA position 4103, G replaced by C.
Molecular consequence: intron variant.
Genome position (GRCh38, 1-based): chr13:101,074,510, C>G on the plus strand (G>C on the coding strand, the complement: NALCN is on the minus strand). VCF-style: chr13-101074510-C-G. GRCh37 (hg19) VCF-style: chr13-101726861-C-G.
Other names: c.4016+4G>C (NM_001350751.2, NM_001350750.2); c.4103+4G>C (NM_001350749.2); c.4190+4G>C (NM_001350748.2).
Identifiers: ClinVar variation 707769 (VCV000707769.54), dbSNP rs201402954, ClinGen allele CA7035209.
Genomic context (GRCh38, chr13:101,074,510, plus strand): 5'-ATTTAAAATTTTATTACCAAAGGGTTTGCTTGATAAATGAATAGAAAGATAAGTATATAC[C>G]AACCTGTTAATATTCTCCCCATATTTCACAGTACCAAATAAAACAACTCCAGCAAAAGCG-3'